The following is an entry in ClinVar:

NM_002437.5(MPV17):c.-5-36C>T

Genes: MPV17 (mitochondrial inner membrane protein MPV17; minus strand), LOC129933373 (ATAC-STARR-seq lymphoblastoid active region 15496; plus strand). Cytogenetic location: 2p23.3.
Variant type: single nucleotide variant.
Coding change: c.-5-36C>T on transcript NM_002437.5 (MANE Select); 36 bases into the intron before 5 bases upstream of the start codon, C replaced by T.
Molecular consequence: intron variant.
Genome position (GRCh38, 1-based): chr2:27,322,558, G>A on the plus strand (C>T on the coding strand, the complement: MPV17 is on the minus strand). VCF-style: chr2-27322558-G-A. GRCh37 (hg19) VCF-style: chr2-27545425-G-A.
Identifiers: ClinVar variation 676787 (VCV000676787.1), dbSNP rs115537890, ClinGen allele CA1575741.

ClinVar aggregate classification (germline): Likely benign (1 of 4 stars; one submission).

Allele frequency attached by ClinVar (database versions not stated): gnomAD exomes 0.00041 and 0.00093; ExAC 0.00114; gnomAD 0.00397 and 0.00427; TOPMed 0.00435; ESP Exome Variant Server 0.00454; 1000 Genomes Project 0.00619; 1000 Genomes Project 30x 0.00703.
gnomAD v4.1: 1,199 of 1,570,798 alleles (0.076%); highest among the groups gnomAD compares: African/African-American, 1.4%; 7 homozygotes.

Submission:

GeneDx
Classification: Likely benign. Last evaluated: 2018-06-16. Review status: criteria provided, single submitter. Criteria: GeneDx Variant Classification (06012015). Collection method: clinical testing. Allele origin: germline. Affected: yes.
Comment: This variant is considered likely benign or benign based on one or more of the following criteria: it is a conservative change, it occurs at a poorly conserved position in the protein, it is predicted to be benign by multiple in silico algorithms, and/or has population frequency not consistent with disease.